The following is an entry in ClinVar:

NM_003482.4(KMT2D):c.4322G>A (p.Arg1441His)

Gene: KMT2D (lysine methyltransferase 2D; minus strand). Cytogenetic location: 12q13.12.
Variant type: single nucleotide variant.
Coding change: c.4322G>A on transcript NM_003482.4 (MANE Select); coding-DNA position 4322, G replaced by A.
Protein change: p.Arg1441His; replaces arginine 1441 with histidine.
Molecular consequence: missense variant.
Genome position (GRCh38, 1-based): chr12:49,046,705, C>T on the plus strand (G>A on the coding strand, the complement: KMT2D is on the minus strand). VCF-style: chr12-49046705-C-T. GRCh37 (hg19) VCF-style: chr12-49440488-C-T.
Other names: short protein forms R1441H.
Identifiers: ClinVar variation 4781297 (VCV004781297.1).
Genomic context (GRCh38, chr12:49,046,705, plus strand): 5'-AGTGGGGGGTCCAGGCAGTATGTGTGGTAGCTAATATCACAGTCATCACAGAGCAGCAGG[C>T]GTGAGGGGTCGGAGGCCTGGCCACACACCTCACACACAATACACTCCACACAACGCCAGC-3'
Protein context (NP_003473.3, residues 1431-1451): EVCGQASDPS[Arg1441His]LLLCDDCDIS

ClinVar aggregate classification (germline): Uncertain significance (1 of 4 stars; one submission).

Conditions:
Kabuki syndrome. Also called: NIIKAWA-KUROKI SYNDROME; Kabuki make-up syndrome. Identifiers: Orphanet 2322, MedGen C0796004, MONDO:0016512.

Submission:

Labcorp Genetics (formerly Invitae), Labcorp
Classification: Uncertain significance for Kabuki syndrome. Last evaluated: 2026-01-20. Review status: criteria provided, single submitter. Criteria: Invitae Variant Classification Sherloc (09022015). Collection method: clinical testing. Allele origin: germline.
Comment: This sequence change replaces arginine, which is basic and polar, with histidine, which is basic and polar, at codon 1441 of the KMT2D protein (p.Arg1441His). This variant is not present in population databases (gnomAD no frequency). This variant has not been reported in the literature in individuals affected with KMT2D-related conditions. Invitae Evidence Modeling of protein sequence and biophysical properties (such as structural, functional, and spatial information, amino acid conservation, physicochemical variation, residue mobility, and thermodynamic stability) has been performed for this missense variant. However, the output from this modeling did not meet the statistical confidence thresholds required to predict the impact of this variant on KMT2D protein function. In summary, the available evidence is currently insufficient to determine the role of this variant in disease. Therefore, it has been classified as a Variant of Uncertain Significance.